The following is an entry in ClinVar:

NM_020987.5(ANK3):c.8323G>C (p.Asp2775His)

Gene: ANK3 (ankyrin 3; minus strand). Cytogenetic location: 10q21.2.
Variant type: single nucleotide variant.
Coding change: c.8323G>C on transcript NM_020987.5 (MANE Select); coding-DNA position 8323, G replaced by C.
Protein change: p.Asp2775His; replaces aspartic acid 2775 with histidine.
Molecular consequence: missense variant. On other transcripts: intron variant (4).
Genome position (GRCh38, 1-based): chr10:60,072,558, C>G on the plus strand (G>C on the coding strand, the complement: ANK3 is on the minus strand). VCF-style: chr10-60072558-C-G. GRCh37 (hg19) VCF-style: chr10-61832316-C-G.
Other names: c.8323G>C (NM_020987.3); c.4388-4549G>C (NM_001204403.2); c.4409-4549G>C (NM_001204404.2); c.4406-4549G>C (NM_001320874.2); c.1808-4549G>C (NM_001149.4); short protein forms D2775H.
Identifiers: ClinVar variation 2197251 (VCV002197251.4), dbSNP rs142507637, ClinGen allele CA5511574.

ClinVar aggregate classification (germline): Uncertain significance. Review status: criteria provided, multiple submitters, no conflicts (2 of 4 stars). 3 submissions from 3 submitters: Uncertain significance (3). Last evaluated 2025-10-29.

Conditions:
Inborn genetic diseases. Identifiers: MedGen C0950123, MeSH D030342.

Allele frequency attached by ClinVar (database versions not stated): ESP Exome Variant Server 0.00023; TOPMed 0.00008.
gnomAD v4.1: 44 of 1,613,308 alleles (0.0027%); highest among the groups gnomAD compares: African/African-American, 0.004%; no homozygotes.

Submissions (3):

Ambry Genetics
Classification: Uncertain significance for Inborn genetic diseases. Last evaluated: 2025-10-29. Review status: criteria provided, single submitter. Criteria: Ambry Variant Classification Scheme 2023. Collection method: clinical testing. Allele origin: germline.

Women's Health and Genetics/Laboratory Corporation of America, LabCorp
Classification: Uncertain significance. Last evaluated: 2024-10-17. Review status: criteria provided, single submitter. Criteria: LabCorp Variant Classification Summary - May 2015. Collection method: clinical testing. Allele origin: germline.
Comment: Variant summary: ANK3 c.8323G>C (p.Asp2775His) results in a non-conservative amino acid change in the encoded protein sequence. Three of five in-silico tools predict a benign effect of the variant on protein function. The variant allele was found at a frequency of 2.4e-05 in 249928 control chromosomes. The available data on variant occurrences in the general population are insufficient to allow any conclusion about variant significance. To our knowledge, no occurrence of c.8323G>C in individuals affected with Mental Retardation, Autosomal Recessive 37 and no experimental evidence demonstrating its impact on protein function have been reported. ClinVar contains an entry for this variant (Variation ID: 2197251). Based on the evidence outlined above, the variant was classified as uncertain significance.

Labcorp Genetics (formerly Invitae), Labcorp
Classification: Uncertain significance. Last evaluated: 2022-09-13. Review status: criteria provided, single submitter. Criteria: Invitae Variant Classification Sherloc (09022015). Collection method: clinical testing. Allele origin: germline.
Comment: In summary, the available evidence is currently insufficient to determine the role of this variant in disease. Therefore, it has been classified as a Variant of Uncertain Significance. Advanced modeling of protein sequence and biophysical properties (such as structural, functional, and spatial information, amino acid conservation, physicochemical variation, residue mobility, and thermodynamic stability) performed at Invitae indicates that this missense variant is not expected to disrupt ANK3 protein function. This variant has not been reported in the literature in individuals affected with ANK3-related conditions. This variant is present in population databases (rs142507637, gnomAD 0.01%). This sequence change replaces aspartic acid, which is acidic and polar, with histidine, which is basic and polar, at codon 2775 of the ANK3 protein (p.Asp2775His).